The following is an entry in ClinVar:

ClinVar aggregate classification (germline): Uncertain significance (1 of 4 stars; one submission).

Conditions:
Early-infantile DEE. Also called: Early infantile epileptic encephalopathy; Early infantile epileptic encephalopathy with suppression bursts; Ohtahara syndrome. Identifiers: Orphanet 1934, MedGen C0393706, MONDO:0800491.

Allele frequency attached by ClinVar (database versions not stated): gnomAD 0.00001; TOPMed 0.00001; gnomAD exomes 0.00002.
gnomAD v4.1: 33 of 1,613,856 alleles (0.002%); highest among the groups gnomAD compares: Admixed American, 0.0033%; no homozygotes.

Submission:

Labcorp Genetics (formerly Invitae), Labcorp
Classification: Uncertain significance for Early-infantile DEE. Last evaluated: 2025-12-16. Review status: criteria provided, single submitter. Criteria: Invitae Variant Classification Sherloc (09022015). Collection method: clinical testing. Allele origin: germline.
Comment: This sequence change replaces arginine, which is basic and polar, with glutamine, which is neutral and polar, at codon 643 of the KCNH5 protein (p.Arg643Gln). This variant is present in population databases (no rsID available, gnomAD 0.006%). This variant has not been reported in the literature in individuals affected with KCNH5-related conditions. ClinVar contains an entry for this variant (Variation ID: 2421796). An algorithm developed to predict the effect of missense changes on protein structure and function (PolyPhen-2) suggests that this variant is likely to be disruptive. In summary, the available evidence is currently insufficient to determine the role of this variant in disease. Therefore, it has been classified as a Variant of Uncertain Significance.

NM_139318.5(KCNH5):c.1928G>A (p.Arg643Gln)

Gene: KCNH5 (potassium voltage-gated channel subfamily H member 5; minus strand). Cytogenetic location: 14q23.2.
Variant type: single nucleotide variant.
Coding change: c.1928G>A on transcript NM_139318.5 (MANE Select); coding-DNA position 1928, G replaced by A.
Protein change: p.Arg643Gln; replaces arginine 643 with glutamine.
Molecular consequence: missense variant. On other transcripts: intron variant (1).
Genome position (GRCh38, 1-based): chr14:62,779,819, C>T on the plus strand (G>A on the coding strand, the complement: KCNH5 is on the minus strand). VCF-style: chr14-62779819-C-T. GRCh37 (hg19) VCF-style: chr14-63246537-C-T.
Other names: c.1822+22510G>A (NM_172375.3); short protein forms R643Q.
Identifiers: ClinVar variation 2421796 (VCV002421796.6), dbSNP rs1225099063, ClinGen allele CA390099200.